The following is an entry in ClinVar:

ClinVar aggregate classification (germline): Uncertain significance (1 of 4 stars; one submission).

Conditions:
Amyotrophic lateral sclerosis type 4 (ALS4). Also called: AMYOTROPHIC LATERAL SCLEROSIS 4, JUVENILE; NEURONOPATHY, DISTAL HEREDITARY MOTOR, WITH PYRAMIDAL FEATURES. Identifiers: Orphanet 357043, MedGen C1865409, MONDO:0011223, OMIM 602433.
Spinocerebellar ataxia, autosomal recessive, with axonal neuropathy 2 (SCAN2). Also called: Ataxia with Oculomotor Apraxia; Ataxia with Oculomotor Apraxia Type 2; Ataxia-ocular apraxia-2; ATAXIA-OCULOMOTOR APRAXIA 2. Identifiers: Orphanet 64753, MedGen C1853761, MONDO:0018996, OMIM 606002.

Allele frequency attached by ClinVar (database versions not stated): gnomAD 0.00001; gnomAD exomes 0.00001.
gnomAD v4.1: 6 of 1,614,026 alleles (0.00037%); highest among the groups gnomAD compares: Non-Finnish European, 0.00051%; no homozygotes.

Submission:

Labcorp Genetics (formerly Invitae), Labcorp
Classification: Uncertain significance for Amyotrophic lateral sclerosis type 4; Spinocerebellar ataxia, autosomal recessive, with axonal neuropathy 2. Last evaluated: 2025-04-22. Review status: criteria provided, single submitter. Criteria: Invitae Variant Classification Sherloc (09022015). Collection method: clinical testing. Allele origin: germline.
Comment: This sequence change replaces proline, which is neutral and non-polar, with serine, which is neutral and polar, at codon 9 of the SETX protein (p.Pro9Ser). This variant is not present in population databases (gnomAD no frequency). This variant has not been reported in the literature in individuals affected with SETX-related conditions. ClinVar contains an entry for this variant (Variation ID: 2158919). Invitae Evidence Modeling of protein sequence and biophysical properties (such as structural, functional, and spatial information, amino acid conservation, physicochemical variation, residue mobility, and thermodynamic stability) indicates that this missense variant is not expected to disrupt SETX protein function with a negative predictive value of 95%. In summary, the available evidence is currently insufficient to determine the role of this variant in disease. Therefore, it has been classified as a Variant of Uncertain Significance.

NM_015046.7(SETX):c.25C>T (p.Pro9Ser)

Gene: SETX (senataxin; minus strand). Cytogenetic location: 9q34.13.
Variant type: single nucleotide variant.
Coding change: c.25C>T on transcript NM_015046.7 (MANE Select); coding-DNA position 25, C replaced by T.
Protein change: p.Pro9Ser; replaces proline 9 with serine.
Molecular consequence: missense variant.
Genome position (GRCh38, 1-based): chr9:132,349,404, G>A on the plus strand (C>T on the coding strand, the complement: SETX is on the minus strand). VCF-style: chr9-132349404-G-A. GRCh37 (hg19) VCF-style: chr9-135224791-G-A.
Other names: c.25C>T, p.Pro9Ser (NM_001351527.2, NM_001351528.2); short protein forms P9S.
Identifiers: ClinVar variation 2158919 (VCV002158919.4), dbSNP rs200979931, ClinGen allele CA200838334.
Genomic context (GRCh38, chr9:132,349,404, plus strand): 5'-CACCGGACGGAGTGTTGGAAGCATAGCGCTTTAGGAAGTCAATGGTGGAAGCACCACCTG[G>A]CGTACACCAACAACATGTGCTCATTCTGTACCTACAGCCAGAAAAGATGACATCAAGAAG-3'
Protein context (NP_055861.3, residues 1-19): MSTCCWCT[Pro9Ser]GGASTIDFLK